The following is an entry in ClinVar:

ClinVar aggregate classification (germline): Pathogenic/Likely pathogenic. Review status: criteria provided, multiple submitters, no conflicts (2 of 4 stars). 3 submissions from 3 submitters: Pathogenic (2); Likely pathogenic (1). Last evaluated 2025-08-12.

Conditions:
ABCC2-related disorder. Also called: ABCC2-related condition.

Submissions (3):

PreventionGenetics, part of Exact Sciences
Classification: Likely pathogenic for ABCC2-related condition. Last evaluated: 2025-08-12. Review status: criteria provided, single submitter. Criteria: ACMG Guidelines, 2015. Collection method: clinical testing. Allele origin: germline.
Comment: The ABCC2 c.3220_3226del7 variant is predicted to result in a frameshift and premature protein termination (p.Thr1074Profs*6). To our knowledge, this variant has not been reported in the literature. This variant is reported in 0.016% of alleles in individuals of African descent in gnomAD. Frameshift variants in ABCC2 are expected to be pathogenic. This variant is interpreted as likely pathogenic.

Labcorp Genetics (formerly Invitae), Labcorp
Classification: Pathogenic. Last evaluated: 2023-09-15. Review status: criteria provided, single submitter. Criteria: Invitae Variant Classification Sherloc (09022015). Collection method: clinical testing. Allele origin: germline.
Comment: For these reasons, this variant has been classified as Pathogenic. ClinVar contains an entry for this variant (Variation ID: 498026). This variant has not been reported in the literature in individuals affected with ABCC2-related conditions. This variant is present in population databases (rs777325157, gnomAD 0.02%). This sequence change creates a premature translational stop signal (p.Thr1074Profs*6) in the ABCC2 gene. It is expected to result in an absent or disrupted protein product. Loss-of-function variants in ABCC2 are known to be pathogenic (PMID: 9185779, 16549534, 16952291).

Eurofins Ntd Llc (ga)
Classification: Pathogenic. Last evaluated: 2016-10-17. Review status: criteria provided, single submitter. Criteria: EGL Classification Definitions 2015. Collection method: clinical testing. Allele origin: germline. Observed: 1 variant allele, 1 heterozygote.

Literature cited by the submitters: PubMed 9185779 (cited by Labcorp Genetics (formerly Invitae), Labcorp); PubMed 16549534 (cited by Labcorp Genetics (formerly Invitae), Labcorp); PubMed 16952291 (cited by Labcorp Genetics (formerly Invitae), Labcorp).

NM_000392.5(ABCC2):c.3220_3226del (p.Thr1074fs)

Gene: ABCC2 (ATP binding cassette subfamily C member 2; plus strand). Cytogenetic location: 10q24.2.
Variant type: Deletion.
Coding change: c.3220_3226del on transcript NM_000392.5 (MANE Select); coding-DNA positions 3220 to 3226, 7 bases deleted (ACAACAC; older notation c.3220_3226delACAACAC).
Protein change: p.Thr1074fs; shifts the reading frame from threonine 1074.
Molecular consequence: frameshift variant.
Genome position (GRCh38, 1-based): chr10:99,832,093-99,832,099, ACAACAC deleted; deleting any 7 consecutive bases within chr10:99,832,091-99,832,099 gives the same sequence; the c. name uses the placement nearest the transcript's 3' end. VCF-style (leftmost placement, unchanged base first): chr10-99832090-GACACAAC-G. GRCh37 (hg19) VCF-style: chr10-101591847-GACACAAC-G.
Other names: c.3220_3226del7 (NM_000392.4); c.3220_3226del, p.Thr1074fs (LRG_1208t1); short protein forms T1074fs.
Identifiers: ClinVar variation 498026 (VCV000498026.10), dbSNP rs777325157, ClinGen allele CA5643720.